The following is an entry in ClinVar:

ClinVar aggregate classification (germline): Uncertain significance (1 of 4 stars; one submission).

Conditions:
Catecholaminergic polymorphic ventricular tachycardia 1. Also called: RYR2-Related Catecholaminergic Polymorphic Ventricular Tachycardia; VENTRICULAR TACHYCARDIA, CATECHOLAMINERGIC POLYMORPHIC, 1, WITH OR WITHOUT ATRIAL DYSFUNCTION AND/OR DILATED CARDIOMYOPATHY; VENTRICULAR TACHYCARDIA, STRESS-INDUCED POLYMORPHIC 1. Identifiers: Orphanet 3286, MedGen C1631597, MONDO:0011484, OMIM 604772.

Submission:

Labcorp Genetics (formerly Invitae), Labcorp
Classification: Uncertain significance for Catecholaminergic polymorphic ventricular tachycardia 1. Last evaluated: 2024-04-22. Review status: criteria provided, single submitter. Criteria: Invitae Variant Classification Sherloc (09022015). Collection method: clinical testing. Allele origin: germline.
Comment: This sequence change replaces serine, which is neutral and polar, with proline, which is neutral and non-polar, at codon 134 of the RYR2 protein (p.Ser134Pro). This variant is not present in population databases (gnomAD no frequency). This variant has not been reported in the literature in individuals affected with RYR2-related conditions. ClinVar contains an entry for this variant (Variation ID: 1972731). Advanced modeling of protein sequence and biophysical properties (such as structural, functional, and spatial information, amino acid conservation, physicochemical variation, residue mobility, and thermodynamic stability) performed at Invitae indicates that this missense variant is not expected to disrupt RYR2 protein function with a negative predictive value of 95%. In summary, the available evidence is currently insufficient to determine the role of this variant in disease. Therefore, it has been classified as a Variant of Uncertain Significance.

NM_001035.3(RYR2):c.400T>C (p.Ser134Pro)

Gene: RYR2 (ryanodine receptor 2; plus strand). Cytogenetic location: 1q43.
Variant type: single nucleotide variant.
Coding change: c.400T>C on transcript NM_001035.3 (MANE Select); coding-DNA position 400, T replaced by C.
Protein change: p.Ser134Pro; replaces serine 134 with proline.
Molecular consequence: missense variant.
Genome position (GRCh38, 1-based): chr1:237,374,732, T>C. VCF-style: chr1-237374732-T-C. GRCh37 (hg19) VCF-style: chr1-237538032-T-C.
Other names: short protein forms S134P.
Identifiers: ClinVar variation 1972731 (VCV001972731.5), dbSNP rs2529939909, ClinGen allele CA345374369.
Genomic context (GRCh38, chr1:237,374,732, plus strand): 5'-ACGAACAAAACCTCTACTTACAACTACTGATTTTGTACTTTGTAGTATCTGTGCTGCCTG[T>C]CCACCTCCCGGTCTTCAACTGATAAGCTGGCTTTTGATGTTGGCTTGCAAGAGGACACCA-3'
Protein context (NP_001026.2, residues 124-144): SYSGMYLCCL[Ser134Pro]TSRSSTDKLA